The following is an entry in ClinVar:

ClinVar aggregate classification (germline): Uncertain significance (1 of 4 stars; one submission).

gnomAD v4.1: 1 of 1,604,552 alleles (0.000062%); highest among the groups gnomAD compares: Non-Finnish European, 0.000085%; no homozygotes.

Submission:

Labcorp Genetics (formerly Invitae), Labcorp
Classification: Uncertain significance. Last evaluated: 2024-07-09. Review status: criteria provided, single submitter. Criteria: Invitae Variant Classification Sherloc (09022015). Collection method: clinical testing. Allele origin: germline.
Comment: This sequence change replaces threonine, which is neutral and polar, with serine, which is neutral and polar, at codon 1135 of the PHIP protein (p.Thr1135Ser). This variant is not present in population databases (gnomAD no frequency). This variant has not been reported in the literature in individuals affected with PHIP-related conditions. Advanced modeling of protein sequence and biophysical properties (such as structural, functional, and spatial information, amino acid conservation, physicochemical variation, residue mobility, and thermodynamic stability) performed at Invitae indicates that this missense variant is not expected to disrupt PHIP protein function with a negative predictive value of 80%. In summary, the available evidence is currently insufficient to determine the role of this variant in disease. Therefore, it has been classified as a Variant of Uncertain Significance.

NM_017934.7(PHIP):c.3404C>G (p.Thr1135Ser)

Genes: IRAK1BP1 (interleukin 1 receptor associated kinase 1 binding protein 1; plus strand), PHIP (PHIP subunit of CUL4-Ring ligase complex; minus strand). Cytogenetic location: 6q14.1.
Variant type: single nucleotide variant.
Coding change: c.3404C>G on transcript NM_017934.7 (MANE Select); coding-DNA position 3404, C replaced by G.
Protein change: p.Thr1135Ser; replaces threonine 1135 with serine.
Molecular consequence: missense variant.
Genome position (GRCh38, 1-based): chr6:78,963,228, G>C on the plus strand (C>G on the coding strand, the complement: PHIP is on the minus strand). VCF-style: chr6-78963228-G-C. GRCh37 (hg19) VCF-style: chr6-79672945-G-C.
Other names: short protein forms T1135S.
Identifiers: ClinVar variation 3658540 (VCV003658540.2).